The following is an entry in ClinVar:

NM_005918.4(MDH2):c.379G>A (p.Ala127Thr)

Gene: MDH2 (malate dehydrogenase 2; plus strand). Cytogenetic location: 7q11.23.
Variant type: single nucleotide variant.
Coding change: c.379G>A on transcript NM_005918.4 (MANE Select); coding-DNA position 379, G replaced by A.
Protein change: p.Ala127Thr; replaces alanine 127 with threonine.
Molecular consequence: missense variant.
Genome position (GRCh38, 1-based): chr7:76,058,028, G>A. VCF-style: chr7-76058028-G-A. GRCh37 (hg19) VCF-style: chr7-75687346-G-A.
Other names: c.379G>A, p.Ala127Thr (NM_001282403.2); c.58G>A, p.Ala20Thr (NM_001282404.2); short protein forms A20T, A127T.
Identifiers: ClinVar variation 1735020 (VCV001735020.2), dbSNP rs2535859844, ClinGen allele CA367764323.

ClinVar aggregate classification (germline): Uncertain significance (1 of 4 stars; one submission).

Conditions:
Inborn genetic diseases. Identifiers: MedGen C0950123, MeSH D030342.

Submission:

Ambry Genetics
Classification: Uncertain significance for Inborn genetic diseases. Last evaluated: 2022-09-01. Review status: criteria provided, single submitter. Criteria: Ambry Variant Classification Scheme 2023. Collection method: clinical testing. Allele origin: germline.
Comment: The p.A127T variant (also known as c.379G>A), located in coding exon 4 of the MDH2 gene, results from a G to A substitution at nucleotide position 379. The alanine at codon 127 is replaced by threonine, an amino acid with similar properties. This amino acid position is conserved. In addition, this alteration is predicted to be deleterious by in silico analysis. Since supporting evidence is limited at this time, the clinical significance of this alteration remains unclear.